The following is an entry in ClinVar:

NM_033026.6(PCLO):c.4943C>G (p.Thr1648Ser)

Gene: PCLO (piccolo presynaptic cytomatrix protein; minus strand). Cytogenetic location: 7q21.11.
Variant type: single nucleotide variant.
Coding change: c.4943C>G on transcript NM_033026.6 (MANE Select); coding-DNA position 4943, C replaced by G.
Protein change: p.Thr1648Ser; replaces threonine 1648 with serine.
Molecular consequence: missense variant.
Genome position (GRCh38, 1-based): chr7:82,956,010, G>C on the plus strand (C>G on the coding strand, the complement: PCLO is on the minus strand). VCF-style: chr7-82956010-G-C. GRCh37 (hg19) VCF-style: chr7-82585326-G-C.
Other names: c.4943C>G, p.Thr1648Ser (NM_014510.3); c.4943C>G (NM_033026.5); short protein forms T1648S.
Identifiers: ClinVar variation 1419564 (VCV001419564.6), dbSNP rs745426174, ClinGen allele CA4320734.
Genomic context (GRCh38, chr7:82,956,010, plus strand): 5'-TTAAATCGGCGTAGCCCTCCTCCTCCAGTAACTACAAGTTCTTCACTTTCCTGACTTTTA[G>C]TTTCTCTGTATTTAAGTTCAGGACTTTCATCAAATGCTTCATCGTCTTCATCATGCCATG-3'
Protein context (NP_149015.2, residues 1638-1658): DESPELKYRE[Thr1648Ser]KSQESEELVV

ClinVar aggregate classification (germline): Uncertain significance. Review status: criteria provided, multiple submitters, no conflicts (2 of 4 stars). 2 submissions from 2 submitters: Uncertain significance (2). Last evaluated 2025-09-05.

Conditions:
Inborn genetic diseases. Identifiers: MedGen C0950123, MeSH D030342.

Allele frequency attached by ClinVar (database versions not stated): ExAC 0.00001; gnomAD 0.00001; TOPMed 0.00001.
gnomAD v4.1: 3 of 1,613,100 alleles (0.00019%); highest among the groups gnomAD compares: East Asian, 0.0022%; no homozygotes.

Submissions (2):

Ambry Genetics
Classification: Uncertain significance for Inborn genetic diseases. Last evaluated: 2025-09-05. Review status: criteria provided, single submitter. Criteria: Ambry Variant Classification Scheme 2023. Collection method: clinical testing. Allele origin: germline.

Labcorp Genetics (formerly Invitae), Labcorp
Classification: Uncertain significance. Last evaluated: 2024-01-22. Review status: criteria provided, single submitter. Criteria: Invitae Variant Classification Sherloc (09022015). Collection method: clinical testing. Allele origin: germline.
Comment: This sequence change replaces threonine, which is neutral and polar, with serine, which is neutral and polar, at codon 1648 of the PCLO protein (p.Thr1648Ser). This variant is present in population databases (rs745426174, gnomAD no frequency). This variant has not been reported in the literature in individuals affected with PCLO-related conditions. ClinVar contains an entry for this variant (Variation ID: 1419564). Experimental studies and prediction algorithms are not available or were not evaluated, and the functional significance of this variant is currently unknown. In summary, the available evidence is currently insufficient to determine the role of this variant in disease. Therefore, it has been classified as a Variant of Uncertain Significance.